The following is an entry in ClinVar:

ClinVar aggregate classification (germline): Likely benign (1 of 4 stars; one submission).

Conditions:
Arrhythmogenic right ventricular cardiomyopathy (ARVD). Also called: Arrhythmogenic right ventricular dysplasia; Cardiomyopathy, ARVC; Arrhythmogenic cardiomyopathy; Arrhythmogenic Right Ventricular Cardiomyopathy (ARVC). Identifiers: Orphanet 247, MedGen C0349788, MeSH D019571, MONDO:0016587. Disease mechanism: loss of function. Inheritance: Various modes of inheritance.

Submission:

All of Us Research Program, National Institutes of Health
Classification: Likely benign for Arrhythmogenic right ventricular cardiomyopathy. Last evaluated: 2023-12-18. Review status: criteria provided, single submitter. Criteria: ACMG Guidelines, 2015. Collection method: clinical testing. Allele origin: germline. Inheritance: Autosomal dominant inheritance. Observed: 1 variant allele, 1 heterozygote.
Comment: This study involves interpretation of variants in research participants for the purpose of population health screening. Participant phenotype was not available at the time of variant classification. Additional details can be found in publication PMID: 35346344, PMCID: PMC8962531

NM_001943.5(DSG2):c.82-13dup

Gene: DSG2 (desmoglein 2; plus strand). Cytogenetic location: 18q12.1.
Variant type: Duplication.
Coding change: c.82-13dup on transcript NM_001943.5 (MANE Select); 13 bases into the intron before coding-DNA position 82, one base duplicated (T; older notation c.82-13dupT).
Molecular consequence: intron variant.
Genome position (GRCh38, 1-based): chr18:31,519,790, T duplicated; the last of 2 consecutive T bases (chr18:31,519,789-31,519,790); duplicating either gives the same sequence. VCF-style (leftmost placement, unchanged base first): chr18-31519788-A-AT. GRCh37 (hg19) VCF-style: chr18-29099751-A-AT.
Identifiers: ClinVar variation 3075035 (VCV003075035.1), dbSNP rs2510910264, ClinGen allele CA2641412565.
Genomic context (GRCh38, chr18:31,519,788, plus strand): 5'-TATGTTATAGGACAGCATACTAATGTTCTATATTTATGACACATAATAAATTTTGGCAAT[A>AT]TTCTATTGTTATAGGTCTTAAGCACAAGAAATGAAAATAAGCTGCTTCCTAAACATCCTC-3'